The following is an entry in ClinVar:

NM_005762.3(TRIM28):c.1931_1932del (p.Glu644fs)

Gene: TRIM28 (tripartite motif containing 28; plus strand). Cytogenetic location: 19q13.43.
Variant type: Deletion.
Coding change: c.1931_1932del on transcript NM_005762.3 (MANE Select); coding-DNA positions 1931 to 1932, 2 bases deleted (AG; older notation c.1931_1932delAG).
Protein change: p.Glu644fs; shifts the reading frame from glutamic acid 644.
Molecular consequence: frameshift variant.
Genome position (GRCh38, 1-based): chr19:58,549,599-58,549,600, AG deleted; deleting any 2 consecutive bases within chr19:58,549,598-58,549,600 gives the same sequence; the c. name uses the placement nearest the transcript's 3' end. VCF-style (leftmost placement, unchanged base first): chr19-58549597-TGA-T. GRCh37 (hg19) VCF-style: chr19-59060964-TGA-T.
Other names: short protein forms E644fs.
Identifiers: ClinVar variation 3725638 (VCV003725638.2).
Genomic context (GRCh38, chr19:58,549,597, plus strand): 5'-CAGTGCCACCATTTGCCGTGTCTGCCAGAAGCCAGGCGATCTGGTTATGTGCAACCAGTG[TGA>T]GTTTTGTTTCCACCTGGACTGTCACCTGCCGGCCCTGCAGGATGTACCAGGGTGAGTGTG-3'

ClinVar aggregate classification (germline): Pathogenic (1 of 4 stars; one submission).

Submission:

Labcorp Genetics (formerly Invitae), Labcorp
Classification: Pathogenic. Last evaluated: 2024-11-19. Review status: criteria provided, single submitter. Criteria: Invitae Variant Classification Sherloc (09022015). Collection method: clinical testing. Allele origin: germline.
Comment: This sequence change creates a premature translational stop signal (p.Glu644Valfs*30) in the TRIM28 gene. It is expected to result in an absent or disrupted protein product. Loss-of-function variants in TRIM28 are known to be pathogenic (PMID: 30694527, 30885698). This variant is not present in population databases (gnomAD no frequency). This variant has not been reported in the literature in individuals affected with TRIM28-related conditions. For these reasons, this variant has been classified as Pathogenic.

Literature cited by the submitters: PubMed 30694527; PubMed 30885698.